The following is an entry in ClinVar:

ClinVar aggregate classification (germline): Uncertain significance (1 of 4 stars; one submission).

Allele frequency attached by ClinVar (database versions not stated): TOPMed below 0.00001; gnomAD 0.00001.
gnomAD v4.1: 13 of 1,612,652 alleles (0.00081%); highest among the groups gnomAD compares: East Asian, 0.0022%; no homozygotes.

Submission:

Labcorp Genetics (formerly Invitae), Labcorp
Classification: Uncertain significance. Last evaluated: 2022-07-14. Review status: criteria provided, single submitter. Criteria: Invitae Variant Classification Sherloc (09022015). Collection method: clinical testing. Allele origin: germline.
Comment: In summary, the available evidence is currently insufficient to determine the role of this variant in disease. Therefore, it has been classified as a Variant of Uncertain Significance. Variants that disrupt the consensus splice site are a relatively common cause of aberrant splicing (PMID: 17576681, 9536098). Algorithms developed to predict the effect of sequence changes on RNA splicing suggest that this variant is not likely to affect RNA splicing. This variant has not been reported in the literature in individuals affected with CTDP1-related conditions. This variant is present in population databases (rs778778837, gnomAD 0.005%). This sequence change falls in intron 10 of the CTDP1 gene. It does not directly change the encoded amino acid sequence of the CTDP1 protein. It affects a nucleotide within the consensus splice site.

Literature cited by the submitters: PubMed 17576681; PubMed 9536098.

NM_004715.5(CTDP1):c.2417+5G>A

Gene: CTDP1 (CTD phosphatase subunit 1; plus strand). Cytogenetic location: 18q23.
Variant type: single nucleotide variant.
Coding change: c.2417+5G>A on transcript NM_004715.5 (MANE Select); 5 bases into the intron after coding-DNA position 2417, G replaced by A.
Molecular consequence: intron variant. On other transcripts: genic downstream transcript variant (1).
Genome position (GRCh38, 1-based): chr18:79,718,021, G>A. VCF-style: chr18-79718021-G-A. GRCh37 (hg19) VCF-style: chr18-77478021-G-A.
Other names: c.2417+5G>A (NM_001318511.2, NM_048368.4); c.2060+5G>A (NM_001202504.1).
Identifiers: ClinVar variation 1975116 (VCV001975116.5), dbSNP rs778778837, ClinGen allele CA9010584.
Genomic context (GRCh38, chr18:79,718,021, plus strand): 5'-GGGCCCCCAGCACCCTCCAGCTCCCTACCCATCCGCCAGGAGCCCTCTTCCTTCAGGTAC[G>A]TGGCGGCCCAGCCACTGTCCCCAGCTAATGAGGGCTCTTCAAGCTTGCTGCTCCAGTCTG-3'